The following is an entry in ClinVar:

ClinVar aggregate classification (germline): Uncertain significance. Review status: criteria provided, multiple submitters, no conflicts (2 of 4 stars). 6 submissions from 6 submitters: Uncertain significance (5). 1 of the submissions does not count toward it. Last evaluated 2026-04-01.

Conditions:
Bardet-Biedl syndrome 14 (BBS14). Identifiers: Orphanet 110, MedGen C2673874, MONDO:0014442, OMIM 615991.
Leber congenital amaurosis 10 (LCA10). Identifiers: Orphanet 65, MedGen C1857821, MONDO:0012723, OMIM 611755.
Joubert syndrome 5 (JBTS5). Identifiers: Orphanet 2318, MedGen C1857780, MONDO:0012432, OMIM 610188.
Senior-Loken syndrome 6 (SLSN6). Identifiers: Orphanet 3156, MedGen C1857779, MONDO:0012433, OMIM 610189.
Meckel syndrome, type 4 (MKS4). Also called: MECKEL-GRUBER SYNDROME, TYPE 4. Identifiers: Orphanet 564, MedGen C1970161, MONDO:0012626, OMIM 611134.
Leber congenital amaurosis (LCA). Also called: Leber's amaurosis. Identifiers: Orphanet 65, MedGen C0339527, MeSH D057130, MONDO:0018998.
Nephronophthisis. Also called: Juvenile Nephronophthisis. Identifiers: Orphanet 655, MedGen C0687120, MONDO:0019005, HP:0000090.
Meckel-Gruber syndrome. Also called: DYSENCEPHALIA SPLANCHNOCYSTICA; Dysencephalia splachnocystica; GRUBER SYNDROME. Identifiers: Orphanet 564, MedGen C0265215, MONDO:0018921.
Joubert syndrome. Also called: Familial aplasia of the vermis; JOUBERT-BOLTSHAUSER SYNDROME. Identifiers: Orphanet 475, MedGen C5979921, MONDO:0018772.
CEP290-related disorder. Also called: CEP290-related condition; CEP290-related disorders. Identifiers: MedGen CN239314.

Allele frequency attached by ClinVar (database versions not stated): gnomAD exomes below 0.00001 and 0.00003; ExAC 0.00001; gnomAD 0.00001; TOPMed 0.00002.
gnomAD v4.1: 49 of 1,613,370 alleles (0.003%); highest among the groups gnomAD compares: Non-Finnish European, 0.004%; no homozygotes.

Submissions (6):

PreventionGenetics, part of Exact Sciences
Classification: Uncertain significance for CEP290-related condition. Last evaluated: 2026-04-01. Review status: criteria provided, single submitter. Criteria: ACMG Guidelines, 2015. Collection method: clinical testing. Allele origin: germline.
Comment: The CEP290 c.3853A>G variant is predicted to result in the amino acid substitution p.Lys1285Glu. To our knowledge, this variant has not been reported in the literature. This variant is reported in 0.00089% of alleles in individuals of European (Non-Finnish) descent in gnomAD. At this time, the clinical significance of this variant is uncertain due to the absence of conclusive functional and genetic evidence.

Labcorp Genetics (formerly Invitae), Labcorp
Classification: Uncertain significance for Joubert syndrome; Meckel-Gruber syndrome; Nephronophthisis. Last evaluated: 2025-11-11. Review status: criteria provided, single submitter. Criteria: Invitae Variant Classification Sherloc (09022015). Collection method: clinical testing. Allele origin: germline.
Comment: This sequence change replaces lysine, which is basic and polar, with glutamic acid, which is acidic and polar, at codon 1285 of the CEP290 protein (p.Lys1285Glu). This variant is present in population databases (rs765521933, gnomAD 0.0009%). This variant has not been reported in the literature in individuals affected with CEP290-related conditions. ClinVar contains an entry for this variant (Variation ID: 951712). Invitae Evidence Modeling of protein sequence and biophysical properties (such as structural, functional, and spatial information, amino acid conservation, physicochemical variation, residue mobility, and thermodynamic stability) indicates that this missense variant is expected to disrupt CEP290 protein function with a positive predictive value of 80%. In summary, the available evidence is currently insufficient to determine the role of this variant in disease. Therefore, it has been classified as a Variant of Uncertain Significance.

GeneDx
Classification: Uncertain significance. Last evaluated: 2024-09-23. Review status: criteria provided, single submitter. Criteria: GeneDx Variant Classification Process June 2021. Collection method: clinical testing. Allele origin: germline. Affected: yes.
Comment: Not observed at significant frequency in large population cohorts (gnomAD); In silico analysis supports that this missense variant has a deleterious effect on protein structure/function; Has not been previously published as pathogenic or benign to our knowledge

Blueprint Genetics
Classification: Uncertain significance. Last evaluated: 2023-12-28. Review status: criteria provided, single submitter. Criteria: ACMG Guidelines, 2015. Collection method: clinical testing. Allele origin: germline.

Fulgent Genetics
Classification: Uncertain significance for Joubert syndrome 5; Senior-Loken syndrome 6; Meckel syndrome, type 4; Leber congenital amaurosis 10; Bardet-Biedl syndrome 14. Last evaluated: 2022-03-24. Review status: criteria provided, single submitter. Criteria: ACMG Guidelines, 2015. Collection method: clinical testing. Allele origin: unknown.

Natera, Inc.
Classification: Uncertain significance for Leber congenital amaurosis. Last evaluated: 2020-01-28. Review status: no assertion criteria provided. Collection method: clinical testing. Allele origin: germline. Not counted in ClinVar's aggregate classification.

NM_025114.4(CEP290):c.3853A>G (p.Lys1285Glu)

Gene: CEP290 (centrosomal protein 290; minus strand). Cytogenetic location: 12q21.32.
Variant type: single nucleotide variant.
Coding change: c.3853A>G on transcript NM_025114.4 (MANE Select); coding-DNA position 3853, A replaced by G.
Protein change: p.Lys1285Glu; replaces lysine 1285 with glutamic acid.
Molecular consequence: missense variant.
Genome position (GRCh38, 1-based): chr12:88,089,208, T>C on the plus strand (A>G on the coding strand, the complement: CEP290 is on the minus strand). VCF-style: chr12-88089208-T-C. GRCh37 (hg19) VCF-style: chr12-88482985-T-C.
Other names: short protein forms K1285E.
Identifiers: ClinVar variation 951712 (VCV000951712.12), dbSNP rs765521933, ClinGen allele CA6712067.